The following is an entry in ClinVar:

ClinVar aggregate classification (germline): Uncertain significance (1 of 4 stars; one submission).

Conditions:
Hereditary cancer-predisposing syndrome. Also called: Neoplastic Syndromes, Hereditary; Tumor predisposition; Hereditary Cancer Syndrome; Hereditary neoplastic syndrome. Identifiers: Orphanet 140162, MedGen C0027672, MeSH D009386, MONDO:0015356.

Submission:

Ambry Genetics
Classification: Uncertain significance for Hereditary cancer-predisposing syndrome. Last evaluated: 2022-01-04. Review status: criteria provided, single submitter. Criteria: Ambry Variant Classification Scheme 2023. Collection method: clinical testing. Allele origin: germline.
Comment: The p.A606P variant (also known as c.1816G>C), located in coding exon 14 of the BAP1 gene, results from a G to C substitution at nucleotide position 1816. The alanine at codon 606 is replaced by proline, an amino acid with highly similar properties. This amino acid position is conserved. In addition, this alteration is predicted to be tolerated by in silico analysis. Since supporting evidence is limited at this time, the clinical significance of this alteration remains unclear.

NM_004656.4(BAP1):c.1816G>C (p.Ala606Pro)

Gene: BAP1 (BRCA1 associated deubiquitinase 1; minus strand). Cytogenetic location: 3p21.1.
Variant type: single nucleotide variant.
Coding change: c.1816G>C on transcript NM_004656.4 (MANE Select); coding-DNA position 1816, G replaced by C.
Protein change: p.Ala606Pro; replaces alanine 606 with proline.
Molecular consequence: missense variant.
Genome position (GRCh38, 1-based): chr3:52,403,212, C>G on the plus strand (G>C on the coding strand, the complement: BAP1 is on the minus strand). VCF-style: chr3-52403212-C-G. GRCh37 (hg19) VCF-style: chr3-52437228-C-G.
Other names: c.1762G>C, p.Ala588Pro (NM_001410772.1); short protein forms A606P, A588P.
Identifiers: ClinVar variation 1780679 (VCV001780679.2), dbSNP rs2153226472, ClinGen allele CA353098563.